The following is an entry in ClinVar:

NM_001035.3(RYR2):c.2533A>G (p.Thr845Ala)

Gene: RYR2 (ryanodine receptor 2; plus strand). Cytogenetic location: 1q43.
Variant type: single nucleotide variant.
Coding change: c.2533A>G on transcript NM_001035.3 (MANE Select); coding-DNA position 2533, A replaced by G.
Protein change: p.Thr845Ala; replaces threonine 845 with alanine.
Molecular consequence: missense variant.
Genome position (GRCh38, 1-based): chr1:237,503,425, A>G. VCF-style: chr1-237503425-A-G. GRCh37 (hg19) VCF-style: chr1-237666725-A-G.
Other names: short protein forms T845A.
Identifiers: ClinVar variation 3709892 (VCV003709892.2).

ClinVar aggregate classification (germline): Uncertain significance (1 of 4 stars; one submission).

Conditions:
Catecholaminergic polymorphic ventricular tachycardia 1. Also called: VENTRICULAR TACHYCARDIA, STRESS-INDUCED POLYMORPHIC 1; VENTRICULAR TACHYCARDIA, CATECHOLAMINERGIC POLYMORPHIC, 1, WITH OR WITHOUT ATRIAL DYSFUNCTION AND/OR DILATED CARDIOMYOPATHY; RYR2-Related Catecholaminergic Polymorphic Ventricular Tachycardia. Identifiers: Orphanet 3286, MedGen C1631597, MONDO:0011484, OMIM 604772.

gnomAD v4.1: 1 of 1,613,948 alleles (0.000062%); highest among the groups gnomAD compares: South Asian, 0.0011%; no homozygotes.

Submission:

Labcorp Genetics (formerly Invitae), Labcorp
Classification: Uncertain significance for Catecholaminergic polymorphic ventricular tachycardia 1. Last evaluated: 2025-08-15. Review status: criteria provided, single submitter. Criteria: Invitae Variant Classification Sherloc (09022015). Collection method: clinical testing. Allele origin: germline.
Comment: This sequence change replaces threonine, which is neutral and polar, with alanine, which is neutral and non-polar, at codon 845 of the RYR2 protein (p.Thr845Ala). This variant is present in population databases (no rsID available, gnomAD 0.006%). This variant has not been reported in the literature in individuals affected with RYR2-related conditions. ClinVar contains an entry for this variant (Variation ID: 3709892). Invitae Evidence Modeling of protein sequence and biophysical properties (such as structural, functional, and spatial information, amino acid conservation, physicochemical variation, residue mobility, and thermodynamic stability) indicates that this missense variant is not expected to disrupt RYR2 protein function with a negative predictive value of 95%. In summary, the available evidence is currently insufficient to determine the role of this variant in disease. Therefore, it has been classified as a Variant of Uncertain Significance.